The following is an entry in ClinVar:

NM_005475.3(SH2B3):c.1217A>G (p.Asn406Ser)

Gene: SH2B3 (SH2B adaptor protein 3; plus strand). Cytogenetic location: 12q24.12.
Variant type: single nucleotide variant.
Coding change: c.1217A>G on transcript NM_005475.3 (MANE Select); coding-DNA position 1217, A replaced by G.
Protein change: p.Asn406Ser; replaces asparagine 406 with serine.
Molecular consequence: missense variant.
Genome position (GRCh38, 1-based): chr12:111,447,525, A>G. VCF-style: chr12-111447525-A-G. GRCh37 (hg19) VCF-style: chr12-111885329-A-G.
Other names: c.611A>G, p.Asn204Ser (NM_001291424.1); short protein forms N204S, N406S.
Identifiers: ClinVar variation 4864441 (VCV004864441.1).
Genomic context (GRCh38, chr12:111,447,525, plus strand): 5'-ATGGAGTGTTCCTGGTGCGGCAGAGCGAGACGCGGCGTGGGGAATACGTGCTCACTTTCA[A>G]CTTTCAGGGGATAGCCAAGGTATGGGGTGGGGTGGGGTGGGGTGGGGCAGGCAGGACCGT-3'
Protein context (NP_005466.1, residues 396-416): TRRGEYVLTF[Asn406Ser]FQGIAKHLRL

ClinVar aggregate classification (germline): Uncertain significance (1 of 4 stars; one submission).

Conditions:
Inborn genetic diseases. Identifiers: MedGen C0950123, MeSH D030342.

gnomAD v4.1: 2 of 1,188,972 alleles (0.00017%); highest among the groups gnomAD compares: Non-Finnish European, 0.00023%; no homozygotes.

Submission:

Ambry Genetics
Classification: Uncertain significance for Inborn genetic diseases. Last evaluated: 2026-05-04. Review status: criteria provided, single submitter. Criteria: Ambry Variant Classification Scheme 2023. Collection method: clinical testing. Allele origin: germline.
Comment: The p.N406S variant (also known as c.1217A>G), located in coding exon 5 of the SH2B3 gene, results from an A to G substitution at nucleotide position 1217. The asparagine at codon 406 is replaced by serine, an amino acid with highly similar properties. This amino acid position is conserved. In addition, this alteration is predicted to be tolerated by in silico analysis. Based on the available evidence, the clinical significance of this variant remains unclear.